The following is an entry in ClinVar:

ClinVar aggregate classification (germline): Uncertain significance. Review status: criteria provided, multiple submitters, no conflicts (2 of 4 stars). 2 submissions from 2 submitters: Uncertain significance (2). Last evaluated 2025-02-06.

Conditions:
Cardiovascular phenotype. Identifiers: MedGen CN230736.
Long QT syndrome (LQTS). Identifiers: MedGen C0023976, MeSH D008133, MONDO:0002442. Disease mechanism: loss of function. Inheritance: Various modes of inheritance.

Allele frequency attached by ClinVar (database versions not stated): gnomAD exomes below 0.00001; ExAC 0.00001.

Submissions (2):

Labcorp Genetics (formerly Invitae), Labcorp
Classification: Uncertain significance for Long QT syndrome. Last evaluated: 2025-02-06. Review status: criteria provided, single submitter. Criteria: Invitae Variant Classification Sherloc (09022015). Collection method: clinical testing. Allele origin: germline.
Comment: This sequence change replaces methionine, which is neutral and non-polar, with isoleucine, which is neutral and non-polar, at codon 182 of the KCNJ5 protein (p.Met182Ile). This variant is not present in population databases (gnomAD no frequency). This variant has not been reported in the literature in individuals affected with KCNJ5-related conditions. ClinVar contains an entry for this variant (Variation ID: 1417923). Invitae Evidence Modeling of protein sequence and biophysical properties (such as structural, functional, and spatial information, amino acid conservation, physicochemical variation, residue mobility, and thermodynamic stability) indicates that this missense variant is not expected to disrupt KCNJ5 protein function with a negative predictive value of 80%. In summary, the available evidence is currently insufficient to determine the role of this variant in disease. Therefore, it has been classified as a Variant of Uncertain Significance.

Ambry Genetics
Classification: Uncertain significance for Cardiovascular phenotype. Last evaluated: 2021-02-24. Review status: criteria provided, single submitter. Criteria: Ambry Variant Classification Scheme 2023. Collection method: clinical testing. Allele origin: germline.
Comment: The p.M182I variant (also known as c.546G>T), located in coding exon 1 of the KCNJ5 gene, results from a G to T substitution at nucleotide position 546. The methionine at codon 182 is replaced by isoleucine, an amino acid with highly similar properties. This amino acid position is highly conserved in available vertebrate species. In addition, this alteration is predicted to be deleterious by in silico analysis. Since supporting evidence is limited at this time, the clinical significance of this alteration remains unclear.

NM_000890.5(KCNJ5):c.546G>T (p.Met182Ile)

Gene: KCNJ5 (potassium inwardly rectifying channel subfamily J member 5; plus strand). Cytogenetic location: 11q24.3.
Variant type: single nucleotide variant.
Coding change: c.546G>T on transcript NM_000890.5 (MANE Select); coding-DNA position 546, G replaced by T.
Protein change: p.Met182Ile; replaces methionine 182 with isoleucine.
Molecular consequence: missense variant.
Genome position (GRCh38, 1-based): chr11:128,911,819, G>T. VCF-style: chr11-128911819-G-T. GRCh37 (hg19) VCF-style: chr11-128781714-G-T.
Other names: c.546G>T, p.Met182Ile (NM_001354169.2); short protein forms M182I.
Identifiers: ClinVar variation 1417923 (VCV001417923.8), dbSNP rs774980501, ClinGen allele CA6357896.